The following is an entry in ClinVar:

ClinVar aggregate classification (germline): Likely benign. Review status: criteria provided, single submitter (1 of 4 stars). 2 submissions from 2 submitters: Likely benign (1). 1 of the submissions does not count toward it. Last evaluated 2025-07-09.

Conditions:
SERPINA1-related disorder. Also called: SerpinA1-related disorders; SERPINA1-related condition.
Alpha-1-antitrypsin deficiency (A1ATD). Also called: AAT deficiency; A1AT deficiency; Alpha1-Antitrypsin Deficiency. Identifiers: Orphanet 60, MedGen C0221757, MONDO:0013282, OMIM 613490.

Submissions (2):

Labcorp Genetics (formerly Invitae), Labcorp
Classification: Likely benign for Alpha-1-antitrypsin deficiency. Last evaluated: 2025-07-09. Review status: criteria provided, single submitter. Criteria: Invitae Variant Classification Sherloc (09022015). Collection method: clinical testing. Allele origin: germline.

PreventionGenetics, part of Exact Sciences
Classification: Benign for SERPINA1-related condition. Last evaluated: 2020-04-28. Review status: no assertion criteria provided. Collection method: clinical testing. Allele origin: germline. Not counted in ClinVar's aggregate classification.
Comment: This variant is classified as benign based on ACMG/AMP sequence variant interpretation guidelines (Richards et al. 2015 PMID: 25741868, with internal and published modifications).

NM_000295.5(SERPINA1):c.1032G>A (p.Gly344=)

Gene: SERPINA1 (serpin family A member 1; minus strand). Cytogenetic location: 14q32.13.
Variant type: single nucleotide variant.
Coding change: c.1032G>A on transcript NM_000295.5 (MANE Select); coding-DNA position 1032, G replaced by A.
Protein change: p.Gly344=; no amino-acid change (glycine 344 retained).
Molecular consequence: synonymous variant.
Genome position (GRCh38, 1-based): chr14:94,379,497, C>T on the plus strand (G>A on the coding strand, the complement: SERPINA1 is on the minus strand). VCF-style: chr14-94379497-C-T. GRCh37 (hg19) VCF-style: chr14-94845834-C-T.
Other names: c.1032G>A, p.Gly344= (NM_001002235.3, NM_001002236.3, NM_001127700.2 and 7 more transcripts).
Identifiers: ClinVar variation 3059246 (VCV003059246.3), dbSNP rs796815235, ClinGen allele CA265860971.